The following is an entry in ClinVar:

ClinVar aggregate classification (germline): Uncertain significance (1 of 4 stars; one submission).

gnomAD v4.1: 4 of 1,614,098 alleles (0.00025%); highest among the groups gnomAD compares: East Asian, 0.0022%; no homozygotes.

Submission:

Labcorp Genetics (formerly Invitae), Labcorp
Classification: Uncertain significance. Last evaluated: 2022-07-19. Review status: criteria provided, single submitter. Criteria: Invitae Variant Classification Sherloc (09022015). Collection method: clinical testing. Allele origin: germline.
Comment: This sequence change replaces isoleucine, which is neutral and non-polar, with valine, which is neutral and non-polar, at codon 749 of the RFWD3 protein (p.Ile749Val). This variant is not present in population databases (gnomAD no frequency). This variant has not been reported in the literature in individuals affected with RFWD3-related conditions. Algorithms developed to predict the effect of missense changes on protein structure and function output the following: SIFT: "Tolerated"; PolyPhen-2: "Benign"; Align-GVGD: "Class C0". The valine amino acid residue is found in multiple mammalian species, which suggests that this missense change does not adversely affect protein function. In summary, the available evidence is currently insufficient to determine the role of this variant in disease. Therefore, it has been classified as a Variant of Uncertain Significance.

NM_018124.4(RFWD3):c.2245A>G (p.Ile749Val)

Gene: RFWD3 (ring finger and WD repeat domain 3; minus strand). Cytogenetic location: 16q23.1.
Variant type: single nucleotide variant.
Coding change: c.2245A>G on transcript NM_018124.4 (MANE Select); coding-DNA position 2245, A replaced by G.
Protein change: p.Ile749Val; replaces isoleucine 749 with valine.
Molecular consequence: missense variant.
Genome position (GRCh38, 1-based): chr16:74,624,008, T>C on the plus strand (A>G on the coding strand, the complement: RFWD3 is on the minus strand). VCF-style: chr16-74624008-T-C. GRCh37 (hg19) VCF-style: chr16-74657906-T-C.
Other names: c.2245A>G, p.Ile749Val (NM_001370534.1, NM_001370535.1); c.2068A>G, p.Ile690Val (NM_001370536.1); c.1411A>G, p.Ile471Val (NM_001370537.1, NM_001370539.1, NM_001370540.1 and 3 more transcripts); short protein forms I690V, I471V, I749V.
Identifiers: ClinVar variation 1971763 (VCV001971763.5), dbSNP rs747371853, ClinGen allele CA396759010.